The following is an entry in ClinVar:

NM_003978.5(PSTPIP1):c.354+185C>T

Gene: PSTPIP1 (proline-serine-threonine phosphatase interacting protein 1; plus strand). Cytogenetic location: 15q24.3.
Variant type: single nucleotide variant.
Coding change: c.354+185C>T on transcript NM_003978.5 (MANE Select); 185 bases into the intron after coding-DNA position 354, C replaced by T.
Molecular consequence: intron variant.
Genome position (GRCh38, 1-based): chr15:77,025,789, C>T. VCF-style: chr15-77025789-C-T. GRCh37 (hg19) VCF-style: chr15-77318130-C-T.
Other names: c.549+185C>T (NM_001321137.1); c.327+185C>T (NM_001321136.2); c.354+185C>T (NM_001321135.2).
Identifiers: ClinVar variation 677781 (VCV000677781.1), dbSNP rs11636266, ClinGen allele CA273752342.

ClinVar aggregate classification (germline): Benign (1 of 4 stars; one submission).

Allele frequency attached by ClinVar (database versions not stated): gnomAD 0.03519 and 0.03629; TOPMed 0.03614; 1000 Genomes Project 0.04573; 1000 Genomes Project 30x 0.04731.
gnomAD v4.1: 5,336 of 152,182 alleles (3.5%); highest among the groups gnomAD compares: African/African-American, 8.4%; 173 homozygotes.

Submission:

GeneDx
Classification: Benign. Last evaluated: 2018-06-16. Review status: criteria provided, single submitter. Criteria: GeneDx Variant Classification (06012015). Collection method: clinical testing. Allele origin: germline. Affected: yes.
Comment: This variant is considered likely benign or benign based on one or more of the following criteria: it is a conservative change, it occurs at a poorly conserved position in the protein, it is predicted to be benign by multiple in silico algorithms, and/or has population frequency not consistent with disease.